The following is an entry in ClinVar:

NM_001142966.3(GREB1L):c.3644G>C (p.Gly1215Ala)

Gene: GREB1L (GREB1 like retinoic acid receptor coactivator; plus strand). Cytogenetic location: 18q11.1.
Variant type: single nucleotide variant.
Coding change: c.3644G>C on transcript NM_001142966.3 (MANE Select); coding-DNA position 3644, G replaced by C.
Protein change: p.Gly1215Ala; replaces glycine 1215 with alanine.
Molecular consequence: missense variant.
Genome position (GRCh38, 1-based): chr18:21,499,981, G>C. VCF-style: chr18-21499981-G-C. GRCh37 (hg19) VCF-style: chr18-19079942-G-C.
Other names: c.3773G>C, p.Gly1258Ala (NM_001410867.1); c.3317G>C, p.Gly1106Ala (NM_001410868.1); short protein forms G1106A, G1215A, G1258A.
Identifiers: ClinVar variation 4804943 (VCV004804943.1).

ClinVar aggregate classification (germline): Uncertain significance (1 of 4 stars; one submission).

Submission:

Labcorp Genetics (formerly Invitae), Labcorp
Classification: Uncertain significance. Last evaluated: 2025-04-15. Review status: criteria provided, single submitter. Criteria: Invitae Variant Classification Sherloc (09022015). Collection method: clinical testing. Allele origin: germline.
Comment: This sequence change replaces glycine, which is neutral and non-polar, with alanine, which is neutral and non-polar, at codon 1215 of the GREB1L protein (p.Gly1215Ala). This variant is not present in population databases (gnomAD no frequency). This variant has not been reported in the literature in individuals affected with GREB1L-related conditions. An algorithm developed to predict the effect of missense changes on protein structure and function outputs the following: PolyPhen-2: "Benign". The alanine amino acid residue is found in multiple mammalian species, which suggests that this missense change does not adversely affect protein function. In summary, the available evidence is currently insufficient to determine the role of this variant in disease. Therefore, it has been classified as a Variant of Uncertain Significance.